The following is an entry in ClinVar:

NM_015295.3(SMCHD1):c.5894G>C (p.Arg1965Pro)

Gene: SMCHD1 (structural maintenance of chromosomes flexible hinge domain containing 1; plus strand). Cytogenetic location: 18p11.32.
Variant type: single nucleotide variant.
Coding change: c.5894G>C on transcript NM_015295.3 (MANE Select); coding-DNA position 5894, G replaced by C.
Protein change: p.Arg1965Pro; replaces arginine 1965 with proline.
Molecular consequence: missense variant.
Genome position (GRCh38, 1-based): chr18:2,796,422, G>C. VCF-style: chr18-2796422-G-C. GRCh37 (hg19) VCF-style: chr18-2796420-G-C.
Other names: short protein forms R1965P.
Identifiers: ClinVar variation 497813 (VCV000497813.12), dbSNP rs755578313, ClinGen allele CA295491603.

ClinVar aggregate classification (germline): Uncertain significance. Review status: criteria provided, multiple submitters, no conflicts (2 of 4 stars). 2 submissions from 2 submitters: Uncertain significance (2). Last evaluated 2023-06-07.

Conditions:
Facioscapulohumeral muscular dystrophy 2 (FSHD2). Also called: MUSCULAR DYSTROPHY, FACIOSCAPULOHUMERAL, TYPE 1B; FACIOSCAPULOHUMERAL MUSCULAR DYSTROPHY 2, DIGENIC; FSHD2, DIGENIC. Identifiers: Orphanet 269, MedGen C1834671, MONDO:0008031, OMIM 158901.

Allele frequency attached by ClinVar (database versions not stated): TOPMed 0.00002.
gnomAD v4.1: 18 of 1,592,534 alleles (0.0011%); highest among the groups gnomAD compares: Non-Finnish European, 0.0015%; no homozygotes.

Submissions (2):

Labcorp Genetics (formerly Invitae), Labcorp
Classification: Uncertain significance for Facioscapulohumeral muscular dystrophy 2. Last evaluated: 2023-06-07. Review status: criteria provided, single submitter. Criteria: Invitae Variant Classification Sherloc (09022015). Collection method: clinical testing. Allele origin: germline.
Comment: In summary, the available evidence is currently insufficient to determine the role of this variant in disease. Therefore, it has been classified as a Variant of Uncertain Significance. Advanced modeling of protein sequence and biophysical properties (such as structural, functional, and spatial information, amino acid conservation, physicochemical variation, residue mobility, and thermodynamic stability) performed at Invitae indicates that this missense variant is not expected to disrupt SMCHD1 protein function. ClinVar contains an entry for this variant (Variation ID: 497813). This variant has not been reported in the literature in individuals affected with SMCHD1-related conditions. This variant is present in population databases (no rsID available, gnomAD 0.004%). This sequence change replaces arginine, which is basic and polar, with proline, which is neutral and non-polar, at codon 1965 of the SMCHD1 protein (p.Arg1965Pro).

Eurofins Ntd Llc (ga)
Classification: Uncertain significance. Last evaluated: 2016-10-18. Review status: criteria provided, single submitter. Criteria: EGL Classification Definitions 2015. Collection method: clinical testing. Allele origin: germline. Observed: 1 variant allele, 1 heterozygote.